The following is an entry in ClinVar:

ClinVar aggregate classification (germline): Uncertain significance (1 of 4 stars; one submission).

Conditions:
Bardet-Biedl syndrome (BBS). Identifiers: Orphanet 110, MedGen C0752166, MONDO:0015229.

Submission:

Labcorp Genetics (formerly Invitae), Labcorp
Classification: Uncertain significance for Bardet-Biedl syndrome. Last evaluated: 2021-03-02. Review status: criteria provided, single submitter. Criteria: Invitae Variant Classification Sherloc (09022015). Collection method: clinical testing. Allele origin: germline.
Comment: In summary, the available evidence is currently insufficient to determine the role of this variant in disease. Therefore, it has been classified as a Variant of Uncertain Significance. Algorithms developed to predict the effect of missense changes on protein structure and function are either unavailable or do not agree on the potential impact of this missense change (SIFT: "Tolerated"; PolyPhen-2: "Possibly Damaging"; Align-GVGD: "Class C0"). This variant has not been reported in the literature in individuals with BBS12-related conditions. This variant is not present in population databases (ExAC no frequency). This sequence change replaces alanine with glycine at codon 489 of the BBS12 protein (p.Ala489Gly). The alanine residue is weakly conserved and there is a small physicochemical difference between alanine and glycine.

NM_152618.3(BBS12):c.1466C>G (p.Ala489Gly)

Gene: BBS12 (Bardet-Biedl syndrome 12; plus strand). Cytogenetic location: 4q27.
Variant type: single nucleotide variant.
Coding change: c.1466C>G on transcript NM_152618.3 (MANE Select); coding-DNA position 1466, C replaced by G.
Protein change: p.Ala489Gly; replaces alanine 489 with glycine.
Molecular consequence: missense variant.
Genome position (GRCh38, 1-based): chr4:122,743,358, C>G. VCF-style: chr4-122743358-C-G. GRCh37 (hg19) VCF-style: chr4-123664513-C-G.
Other names: c.1466C>G, p.Ala489Gly (NM_001178007.2); short protein forms A489G.
Identifiers: ClinVar variation 1514257 (VCV001514257.8), dbSNP rs2150737356, ClinGen allele CA358225180.